The following is an entry in ClinVar:

ClinVar aggregate classification (germline): Uncertain significance (1 of 4 stars; one submission).

Conditions:
Hereditary nonpolyposis colorectal neoplasms. Identifiers: MedGen C0009405, MeSH D003123.

Allele frequency attached by ClinVar (database versions not stated): gnomAD exomes below 0.00001.
gnomAD v4.1: 1 of 1,614,086 alleles (0.000062%); highest among the groups gnomAD compares: Non-Finnish European, 0.000085%; no homozygotes.

Submission:

Labcorp Genetics (formerly Invitae), Labcorp
Classification: Uncertain significance for Hereditary nonpolyposis colorectal neoplasms. Last evaluated: 2023-11-25. Review status: criteria provided, single submitter. Criteria: Invitae Variant Classification Sherloc (09022015). Collection method: clinical testing. Allele origin: germline.
Comment: This sequence change replaces glycine, which is neutral and non-polar, with glutamic acid, which is acidic and polar, at codon 652 of the MSH6 protein (p.Gly652Glu). This variant is not present in population databases (gnomAD no frequency). This variant has not been reported in the literature in individuals affected with MSH6-related conditions. ClinVar contains an entry for this variant (Variation ID: 578926). Advanced modeling of protein sequence and biophysical properties (such as structural, functional, and spatial information, amino acid conservation, physicochemical variation, residue mobility, and thermodynamic stability) performed at Invitae indicates that this missense variant is not expected to disrupt MSH6 protein function with a negative predictive value of 95%. In summary, the available evidence is currently insufficient to determine the role of this variant in disease. Therefore, it has been classified as a Variant of Uncertain Significance.

NM_000179.3(MSH6):c.1955G>A (p.Gly652Glu)

Gene: MSH6 (mutS homolog 6; plus strand). Cytogenetic location: 2p16.3.
Variant type: single nucleotide variant.
Coding change: c.1955G>A on transcript NM_000179.3 (MANE Select); coding-DNA position 1955, G replaced by A.
Protein change: p.Gly652Glu; replaces glycine 652 with glutamic acid.
Molecular consequence: missense variant.
Genome position (GRCh38, 1-based): chr2:47,799,938, G>A. VCF-style: chr2-47799938-G-A. GRCh37 (hg19) VCF-style: chr2-48027077-G-A.
Other names: c.1565G>A, p.Gly522Glu (NM_001281492.2); c.1049G>A, p.Gly350Glu (NM_001281493.2, NM_001281494.2); short protein forms G652E, G522E, G350E.
Identifiers: ClinVar variation 578926 (VCV000578926.7), dbSNP rs1558663683, ClinGen allele CA346750571.